The following is an entry in ClinVar:

ClinVar aggregate classification (germline): Uncertain significance. Review status: criteria provided, single submitter (1 of 4 stars). 2 submissions from 2 submitters: Uncertain significance (1). 1 of the submissions does not count toward it. Last evaluated 2025-08-03.

Conditions:
KIF26B-related disorder. Also called: KIF26B-related condition.

Allele frequency attached by ClinVar (database versions not stated): gnomAD exomes 0.00014; ExAC 0.00059; ESP Exome Variant Server 0.00130; gnomAD 0.00143; TOPMed 0.00205; 1000 Genomes Project 0.00260; 1000 Genomes Project 30x 0.00281.

Submissions (2):

Ambry Genetics
Classification: Uncertain significance. Last evaluated: 2025-08-03. Review status: criteria provided, single submitter. Criteria: Ambry Variant Classification Scheme 2023. Collection method: clinical testing. Allele origin: germline.

PreventionGenetics, part of Exact Sciences
Classification: Likely benign for KIF26B-related condition. Last evaluated: 2019-07-30. Review status: no assertion criteria provided. Collection method: clinical testing. Allele origin: germline. Not counted in ClinVar's aggregate classification.
Comment: This variant is classified as likely benign based on ACMG/AMP sequence variant interpretation guidelines (Richards et al. 2015 PMID: 25741868, with internal and published modifications).

NM_018012.4(KIF26B):c.3187A>G (p.Met1063Val)

Gene: KIF26B (kinesin family member 26B; plus strand). Cytogenetic location: 1q44.
Variant type: single nucleotide variant.
Coding change: c.3187A>G on transcript NM_018012.4 (MANE Select); coding-DNA position 3187, A replaced by G.
Protein change: p.Met1063Val; replaces methionine 1063 with valine.
Molecular consequence: missense variant.
Genome position (GRCh38, 1-based): chr1:245,686,170, A>G. VCF-style: chr1-245686170-A-G. GRCh37 (hg19) VCF-style: chr1-245849472-A-G.
Other names: short protein forms M1063V.
Identifiers: ClinVar variation 3038444 (VCV003038444.3), dbSNP rs200504780, ClinGen allele CA1488182.
Genomic context (GRCh38, chr1:245,686,170, plus strand): 5'-CTCCAGAGCAGCCGGGAGAGCCTCAACTCCTGCGGCTTCGTGGAAGGCAAGCCCAGGCCC[A>G]TGGGCTCCCCCCGGCTGGGCATCGCCAGCCTGTCCAAGACCTCGGAGTACAAGCCACCCA-3'
Protein context (NP_060482.2, residues 1053-1073): CGFVEGKPRP[Met1063Val]GSPRLGIASL